The following is an entry in ClinVar:

ClinVar aggregate classification (germline): Conflicting classifications of pathogenicity. Review status: no assertion criteria provided (0 of 4 stars). 3 submissions from 3 submitters: Pathogenic (1); Likely pathogenic (1); Uncertain significance (1). Last evaluated 2023-11-06.

Conditions:
Charcot-Marie-Tooth disease. Also called: Charcot-Marie-Tooth Hereditary Neuropathy; Charcot-Marie-Tooth Neuropathy. Identifiers: Orphanet 166, MedGen C0007959, MONDO:0015626.
SLC5A7-related disorder. Also called: SLC5A7-related condition.
Neuronopathy, distal hereditary motor, type 7A. Also called: SPINAL MUSCULAR ATROPHY, DISTAL, WITH VOCAL CORD PARALYSIS; HARPER-YOUNG MYOPATHY; HMN VIIA; Neuronopathy, distal hereditary motor, type viia; NEURONOPATHY, DISTAL HEREDITARY MOTOR, HARDING TYPE VIIA; NEUROPATHY, DISTAL HEREDITARY MOTOR, HARDING TYPE VIIA. Identifiers: Orphanet 139589, MedGen C1834703, MONDO:0008024, OMIM 158580.

Submissions (3):

PreventionGenetics, part of Exact Sciences
Classification: Likely pathogenic for SLC5A7-related condition. Last evaluated: 2023-11-06. Review status: no assertion criteria provided. Collection method: clinical testing. Allele origin: germline.
Comment: The SLC5A7 c.1497delG variant is predicted to result in a frameshift and premature protein termination (p.Lys499Asnfs*13). This variant was reported to segregate with several affected individuals in a large family with hereditary motor neuropathy, type VII (Barwick et al 2012. PubMed ID: 23141292). This variant occurs in the last exon of the SLC5A7 gene and likely escapes nonsense-mediated decay and functional studies indicate a dominant-negative impact (Barwick et al 2012. PubMed ID: 23141292). This variant has not been reported in a large population database, indicating this variant is rare. Other frameshift variants in the last exon of SLC5A7 have been reported to be pathogenic for autosomal dominant hereditary motor neuropathy (Salter et al. 2018. PubMed ID: 29582019). This variant is interpreted as likely pathogenic.

OMIM
Classification: Pathogenic for NEURONOPATHY, DISTAL HEREDITARY MOTOR, AUTOSOMAL DOMINANT 7. Last evaluated: 2012-12-07. Review status: no assertion criteria provided. Collection method: literature only. Allele origin: germline.

Inherited Neuropathy Consortium
Classification: Uncertain significance for Charcot-Marie-Tooth disease. Review status: no assertion criteria provided. Collection method: literature only. Allele origin: germline. Affected: yes.

Literature cited by the submitters: PubMed 7420092 (cited by OMIM); PubMed 11294660 (cited by OMIM); PubMed 23141292 (cited by OMIM and Inherited Neuropathy Consortium).

NM_021815.5(SLC5A7):c.1497del (p.Lys499fs)

Gene: SLC5A7 (solute carrier family 5 member 7; plus strand). Cytogenetic location: 2q12.3.
Variant type: Deletion.
Coding change: c.1497del on transcript NM_021815.5 (MANE Select); coding-DNA position 1497, one base deleted (G; older notation c.1497delG).
Protein change: p.Lys499fs; shifts the reading frame from lysine 499.
Molecular consequence: frameshift variant.
Genome position (GRCh38, 1-based): chr2:108,010,615, G deleted. VCF-style (leftmost placement, unchanged base first): chr2-108010614-AG-A. GRCh37 (hg19) VCF-style: chr2-108627070-AG-A.
Other names: c.1497del, p.Lys499fs (NM_001305005.3); c.1182del, p.Lys394fs (NM_001305006.3); c.756del, p.Lys252fs (NM_001305007.3); c.1497delG (NM_021815.4); short protein forms K252fs, K394fs, K499fs.
Identifiers: ClinVar variation 39495 (VCV000039495.5), dbSNP rs1558872865, ClinGen allele CA913189941.